The following is an entry in ClinVar:

NM_170682.4(P2RX2):c.106G>C (p.Val36Leu)

Gene: P2RX2 (purinergic receptor P2X 2; plus strand). Cytogenetic location: 12q24.33.
Variant type: single nucleotide variant.
Coding change: c.106G>C on transcript NM_170682.4 (MANE Select); coding-DNA position 106, G replaced by C.
Protein change: p.Val36Leu; replaces valine 36 with leucine.
Molecular consequence: missense variant. On other transcripts: splice donor variant (2).
Genome position (GRCh38, 1-based): chr12:132,618,922, G>C. VCF-style: chr12-132618922-G-C. GRCh37 (hg19) VCF-style: chr12-133195508-G-C.
Other names: c.106G>C, p.Val36Leu (NM_001282164.2, NM_001282165.2, NM_016318.4 and 2 more transcripts); c.105+1G>C (NM_012226.5, NM_174872.3); short protein forms V36L.
Identifiers: ClinVar variation 4744459 (VCV004744459.1).
Genomic context (GRCh38, chr12:132,618,922, plus strand): 5'-CGCCTGGCCCGGGGCTGCTGGTCCGCCCTCTGGGACTACGAGACGCCCAAGGTGATCGTG[G>C]TGAGGAACCGGCGCCTGGGGGTCCTGTACCGCGCCGTGCAGCTGCTCATCCTGCTCTACT-3'
Protein context (NP_733782.1, residues 26-46): WDYETPKVIV[Val36Leu]RNRRLGVLYR

ClinVar aggregate classification (germline): Uncertain significance (1 of 4 stars; one submission).

Submission:

Labcorp Genetics (formerly Invitae), Labcorp
Classification: Uncertain significance. Last evaluated: 2025-10-05. Review status: criteria provided, single submitter. Criteria: Invitae Variant Classification Sherloc (09022015). Collection method: clinical testing. Allele origin: germline.
Comment: This sequence change replaces valine, which is neutral and non-polar, with leucine, which is neutral and non-polar, at codon 36 of the P2RX2 protein (p.Val36Leu). This variant is not present in population databases (gnomAD no frequency). This variant has not been reported in the literature in individuals affected with P2RX2-related conditions. Invitae Evidence Modeling of protein sequence and biophysical properties (such as structural, functional, and spatial information, amino acid conservation, physicochemical variation, residue mobility, and thermodynamic stability) indicates that this missense variant is expected to disrupt P2RX2 protein function with a positive predictive value of 80%. In summary, the available evidence is currently insufficient to determine the role of this variant in disease. Therefore, it has been classified as a Variant of Uncertain Significance.